The following is an entry in ClinVar:

ClinVar aggregate classification (germline): Uncertain significance (1 of 4 stars; one submission).

gnomAD v4.1: 6 of 1,613,644 alleles (0.00037%); highest among the groups gnomAD compares: Admixed American, 0.0017%; no homozygotes.

Submission:

GeneDx
Classification: Uncertain significance. Last evaluated: 2019-05-09. Review status: criteria provided, single submitter. Criteria: GeneDx Variant Classification Process June 2021. Collection method: clinical testing. Allele origin: germline. Affected: yes.
Comment: In silico analysis, which includes protein predictors and evolutionary conservation, supports a deleterious effect; Has not been previously published as pathogenic or benign to our knowledge

NM_005422.4(TECTA):c.1715C>A (p.Ala572Asp)

Genes: TBCEL-TECTA (TBCEL-TECTA readthrough; plus strand), TECTA (tectorin alpha; plus strand). Cytogenetic location: 11q23.3.
Variant type: single nucleotide variant.
Coding change: c.1715C>A on transcript NM_005422.4 (MANE Select); coding-DNA position 1715, C replaced by A.
Protein change: p.Ala572Asp; replaces alanine 572 with aspartic acid.
Molecular consequence: missense variant.
Genome position (GRCh38, 1-based): chr11:121,125,813, C>A. VCF-style: chr11-121125813-C-A. GRCh37 (hg19) VCF-style: chr11-120996522-C-A.
Other names: c.2672C>A, p.Ala891Asp (NM_001378761.1); short protein forms A572D, A891D.
Identifiers: ClinVar variation 1305686 (VCV001305686.2), dbSNP rs772636065, ClinGen allele CA383012555.
Genomic context (GRCh38, chr11:121,125,813, plus strand): 5'-ATGACCTGTGCAGTGTGAGGGACAATGGCACGCTCCTCTGCCAAGCCATCCAGGCCTATG[C>A]TCTTGTGTGCCAAGCCCTTGGCATTCCAATTGGAGACTGGCGAACCCAGACTGGGTGTGG-3'
Protein context (NP_005413.2, residues 562-582): TLLCQAIQAY[Ala572Asp]LVCQALGIPI